The following is an entry in ClinVar:

NM_001042424.3(NSD2):c.1537C>T (p.Gln513Ter)

Gene: NSD2 (nuclear receptor binding SET domain protein 2; plus strand). Cytogenetic location: 4p16.3.
Variant type: single nucleotide variant.
Coding change: c.1537C>T on transcript NM_001042424.3 (MANE Select); coding-DNA position 1537, C replaced by T.
Protein change: p.Gln513Ter; replaces glutamine 513 with a stop codon.
Molecular consequence: nonsense.
Genome position (GRCh38, 1-based): chr4:1,930,752, C>T. VCF-style: chr4-1930752-C-T. GRCh37 (hg19) VCF-style: chr4-1932479-C-T.
Other names: c.1537C>T, p.Gln513Ter (NM_001440892.1, NM_001440894.1, NM_001440895.1 and 8 more transcripts); c.1636C>T, p.Gln546Ter (NM_001440893.1); c.568C>T, p.Gln190Ter (NM_001440899.1, NM_001440900.1); short protein forms Q190*, Q513*, Q546*.
Identifiers: ClinVar variation 4855196 (VCV004855196.1).
Genomic context (GRCh38, chr4:1,930,752, plus strand): 5'-CTGCTGAGTGAGAAGCAGAGAGCACGCTACAACACCAAGTTTGCCCTGGTGGCCCCTGTC[C>T]AGGCTGAAGAAGACTCTGGTAAACATAGCATTATGCTGATGTCCTCTGCTTGGGTTGATG-3'

ClinVar aggregate classification (germline): Likely pathogenic (1 of 4 stars; one submission).

Conditions:
Rauch-Steindl syndrome (RAUST). Identifiers: Orphanet 659642, MedGen C5562061, MONDO:0859219, OMIM 619695.

Submission:

3billion
Classification: Likely pathogenic for Rauch-Steindl syndrome. Last evaluated: 2026-01-26. Review status: criteria provided, single submitter. Criteria: ACMG Guidelines, 2015. Collection method: clinical testing. Allele origin: germline. Affected: yes.
Comment: The variant is not observed in the gnomAD v4.1.0 dataset. Predicted Consequence/Location: Stop-gained (nonsense): predicted to result in a loss or disruption of normal protein function through nonsense-mediated decay (NMD) or protein truncation. Multiple pathogenic variants are reported downstream of the variant. Therefore, this variant is classified as Likely pathogenic according to the recommendation of ACMG/AMP guideline.